The following is an entry in ClinVar:

ClinVar aggregate classification (germline): Uncertain significance (1 of 4 stars; one submission).

Conditions:
Giant axonal neuropathy 1 (GAN1). Also called: GIANT AXONAL NEUROPATHY 1, AUTOSOMAL RECESSIVE; GAN-Related Neurodegeneration. Identifiers: Orphanet 643, MedGen C1850386, MONDO:0009749, OMIM 256850.

Allele frequency attached by ClinVar (database versions not stated): TOPMed below 0.00001; gnomAD exomes 0.00001.
gnomAD v4.1: 12 of 1,614,064 alleles (0.00074%); highest among the groups gnomAD compares: Non-Finnish European, 0.001%; no homozygotes.

Submission:

Labcorp Genetics (formerly Invitae), Labcorp
Classification: Uncertain significance for Giant axonal neuropathy 1. Last evaluated: 2020-02-02. Review status: criteria provided, single submitter. Criteria: Invitae Variant Classification Sherloc (09022015). Collection method: clinical testing. Allele origin: germline.
Comment: In summary, the available evidence is currently insufficient to determine the role of this variant in disease. Therefore, it has been classified as a Variant of Uncertain Significance. Algorithms developed to predict the effect of missense changes on protein structure and function are either unavailable or do not agree on the potential impact of this missense change (SIFT: "Deleterious"; PolyPhen-2: "Possibly Damaging"; Align-GVGD: "Class C0"). This variant has not been reported in the literature in individuals with GAN-related conditions. This variant is not present in population databases (ExAC no frequency). This sequence change replaces serine with cysteine at codon 563 of the GAN protein (p.Ser563Cys). The serine residue is moderately conserved and there is a moderate physicochemical difference between serine and cysteine.

NM_022041.4(GAN):c.1688C>G (p.Ser563Cys)

Gene: GAN (gigaxonin; plus strand). Cytogenetic location: 16q23.2.
Variant type: single nucleotide variant.
Coding change: c.1688C>G on transcript NM_022041.4 (MANE Select); coding-DNA position 1688, C replaced by G.
Protein change: p.Ser563Cys; replaces serine 563 with cysteine.
Molecular consequence: missense variant.
Genome position (GRCh38, 1-based): chr16:81,377,490, C>G. VCF-style: chr16-81377490-C-G. GRCh37 (hg19) VCF-style: chr16-81411095-C-G.
Other names: c.1049C>G, p.Ser350Cys (NM_001377486.1); short protein forms S350C, S563C.
Identifiers: ClinVar variation 1027068 (VCV001027068.8), dbSNP rs1378724061, ClinGen allele CA396892416.